The following is an entry in ClinVar:

NM_014714.4(IFT140):c.2086T>C (p.Ser696Pro)

Gene: IFT140 (intraflagellar transport 140; minus strand). Cytogenetic location: 16p13.3.
Variant type: single nucleotide variant.
Coding change: c.2086T>C on transcript NM_014714.4 (MANE Select); coding-DNA position 2086, T replaced by C.
Protein change: p.Ser696Pro; replaces serine 696 with proline.
Molecular consequence: missense variant.
Genome position (GRCh38, 1-based): chr16:1,562,098, A>G on the plus strand (T>C on the coding strand, the complement: IFT140 is on the minus strand). VCF-style: chr16-1562098-A-G. GRCh37 (hg19) VCF-style: chr16-1612099-A-G.
Other names: short protein forms S696P.
Identifiers: ClinVar variation 3340349 (VCV003340349.1).

ClinVar aggregate classification (germline): Likely pathogenic (1 of 4 stars; one submission).

Submission:

GeneDx
Classification: Likely pathogenic. Last evaluated: 2024-02-22. Review status: criteria provided, single submitter. Criteria: GeneDx Variant Classification Process June 2021. Collection method: clinical testing. Allele origin: germline. Affected: yes.
Comment: Not observed at significant frequency in large population cohorts (gnomAD); In silico analysis supports that this missense variant has a deleterious effect on protein structure/function; Has not been previously published as pathogenic or benign to our knowledge